The following is an entry in ClinVar:

ClinVar aggregate classification (germline): Uncertain significance (1 of 4 stars; one submission).

Submission:

GeneDx
Classification: Uncertain significance. Last evaluated: 2022-06-21. Review status: criteria provided, single submitter. Criteria: GeneDx Variant Classification Process June 2021. Collection method: clinical testing. Allele origin: germline. Affected: yes.
Comment: Not observed at significant frequency in large population cohorts (gnomAD); In silico analysis supports that this missense variant has a deleterious effect on protein structure/function; Has not been previously published as pathogenic or benign to our knowledge

NM_000257.4(MYH7):c.5507C>G (p.Ser1836Trp)

Gene: MYH7 (myosin heavy chain 7; minus strand). Cytogenetic location: 14q11.2.
Variant type: single nucleotide variant.
Coding change: c.5507C>G on transcript NM_000257.4 (MANE Select); coding-DNA position 5507, C replaced by G.
Protein change: p.Ser1836Trp; replaces serine 1836 with tryptophan.
Molecular consequence: missense variant.
Genome position (GRCh38, 1-based): chr14:23,415,047, G>C on the plus strand (C>G on the coding strand, the complement: MYH7 is on the minus strand). VCF-style: chr14-23415047-G-C. GRCh37 (hg19) VCF-style: chr14-23884256-G-C.
Other names: p.S1836W:TCG>TGG; c.5507C>G (LRG_384t1); short protein forms S1836W.
Identifiers: ClinVar variation 181284 (VCV000181284.4), dbSNP rs727503242, ClinGen allele CA016167.